The following is an entry in ClinVar:

NM_002458.3(MUC5B):c.10572T>C (p.Ser3524=)

Genes: MUC5B (mucin 5B, oligomeric mucus/gel-forming; plus strand), MUC5B-AS1 (MUC5B antisense RNA 1; minus strand). Cytogenetic location: 11p15.5.
Variant type: single nucleotide variant.
Coding change: c.10572T>C on transcript NM_002458.3 (MANE Select); coding-DNA position 10572, T replaced by C.
Protein change: p.Ser3524=; no amino-acid change (serine 3524 retained).
Molecular consequence: synonymous variant.
Genome position (GRCh38, 1-based): chr11:1,247,452, T>C. VCF-style: chr11-1247452-T-C. GRCh37 (hg19) VCF-style: chr11-1268682-T-C.
Identifiers: ClinVar variation 403164 (VCV000403164.6), dbSNP rs2943518, ClinGen allele CA5807388.

ClinVar aggregate classification (germline): Benign. Review status: criteria provided, multiple submitters, no conflicts (2 of 4 stars). 3 submissions from 3 submitters: Benign (3). Last evaluated 2021-06-09.

Allele frequency attached by ClinVar (database versions not stated): 1000 Genomes Project 0.11342; 1000 Genomes Project 30x 0.11883; gnomAD exomes 0.15152 and 0.17459; ExAC 0.15408; TOPMed 0.15517; gnomAD 0.16489 and 0.16830; ESP Exome Variant Server 0.17498.
gnomAD v4.1: 278,474 of 1,604,788 alleles (17%); highest among the groups gnomAD compares: Non-Finnish European, 19%; 28,568 homozygotes.

Submissions (3):

GeneDx
Classification: Benign. Last evaluated: 2021-06-09. Review status: criteria provided, single submitter. Criteria: GeneDx Variant Classification Process June 2021. Collection method: clinical testing. Allele origin: germline. Affected: yes.

Laboratory for Molecular Medicine, Mass General Brigham Personalized Medicine
Classification: Benign. Last evaluated: 2016-03-28. Review status: criteria provided, single submitter. Criteria: LMM Criteria. Collection method: clinical testing. Allele origin: germline.
Comment: Variant identified in a genome or exome case(s) and assessed due to predicted null impact of the variant or pathogenic assertions in the literature or databases. Disclaimer: This variant has not undergone full assessment. The following are preliminary notes: Frequency

Breakthrough Genomics
Classification: Benign. Review status: criteria provided, single submitter. Criteria: ACMG Guidelines, 2015. Collection method: not provided. Allele origin: germline. Inheritance: Autosomal dominant inheritance. Affected: yes.